The following is an entry in ClinVar:

NM_003954.5(MAP3K14):c.2797G>A (p.Ala933Thr)

Genes: MAP3K14 (mitogen-activated protein kinase kinase kinase 14; minus strand), MAP3K14-AS1 (MAP3K14 antisense RNA 1; plus strand). Cytogenetic location: 17q21.31.
Variant type: single nucleotide variant.
Coding change: c.2797G>A on transcript NM_003954.5 (MANE Select); coding-DNA position 2797, G replaced by A.
Protein change: p.Ala933Thr; replaces alanine 933 with threonine.
Molecular consequence: missense variant.
Genome position (GRCh38, 1-based): chr17:45,264,683, C>T on the plus strand (G>A on the coding strand, the complement: MAP3K14 is on the minus strand). VCF-style: chr17-45264683-C-T. GRCh37 (hg19) VCF-style: chr17-43342050-C-T.
Other names: short protein forms A933T.
Identifiers: ClinVar variation 1509452 (VCV001509452.3), dbSNP rs375320125, ClinGen allele CA8613762.
Genomic context (GRCh38, chr17:45,264,683, plus strand): 5'-GTGGAGGGCAGGGTTAGGGCCTGTTCTCCAGCTGGCCATGCTTGACCCTCCAGCTCCAGG[C>T]GAAGCTGCCATCAGGGGCCAGTGTGCACTGCAGGTCGATGCCCGAGTCTGGCACCTCCAT-3'
Protein context (NP_003945.2, residues 923-943): QCTLAPDGSF[Ala933Thr]WSWRVKHGQL

ClinVar aggregate classification (germline): Uncertain significance (1 of 4 stars; one submission).

Conditions:
NIK deficiency. Also called: Primary immunodeficiency with multifaceted aberrant lymphoid immunity. Identifiers: Orphanet 447731, MedGen C5680065, MONDO:0018642.

Allele frequency attached by ClinVar (database versions not stated): gnomAD exomes 0.00001 and 0.00002; TOPMed 0.00001; ExAC 0.00002; gnomAD 0.00003; ESP Exome Variant Server 0.00008.
gnomAD v4.1: 30 of 1,601,400 alleles (0.0019%); highest among the groups gnomAD compares: South Asian, 0.0045%; no homozygotes.

Submission:

Labcorp Genetics (formerly Invitae), Labcorp
Classification: Uncertain significance for NIK deficiency. Last evaluated: 2022-06-13. Review status: criteria provided, single submitter. Criteria: Invitae Variant Classification Sherloc (09022015). Collection method: clinical testing. Allele origin: germline.
Comment: This sequence change replaces alanine, which is neutral and non-polar, with threonine, which is neutral and polar, at codon 933 of the MAP3K14 protein (p.Ala933Thr). The frequency data for this variant in the population databases is considered unreliable, as metrics indicate poor data quality at this position in the gnomAD database. This variant has not been reported in the literature in individuals affected with MAP3K14-related conditions. Experimental studies and prediction algorithms are not available or were not evaluated, and the functional significance of this variant is currently unknown. In summary, the available evidence is currently insufficient to determine the role of this variant in disease. Therefore, it has been classified as a Variant of Uncertain Significance.